The following is an entry in ClinVar:

ClinVar aggregate classification (germline): Uncertain significance (1 of 4 stars; one submission).

Conditions:
Emery-Dreifuss muscular dystrophy 5, autosomal dominant (EDMD5). Also called: EMERY-DREIFUSS MUSCULAR DYSTROPHY 5. Identifiers: Orphanet 261, MedGen C2751805, MONDO:0013072, OMIM 612999.

Submission:

Labcorp Genetics (formerly Invitae), Labcorp
Classification: Uncertain significance for Emery-Dreifuss muscular dystrophy 5, autosomal dominant. Last evaluated: 2022-07-12. Review status: criteria provided, single submitter. Criteria: Invitae Variant Classification Sherloc (09022015). Collection method: clinical testing. Allele origin: germline.
Comment: This sequence change replaces glutamic acid, which is acidic and polar, with lysine, which is basic and polar, at codon 2138 of the SYNE2 protein (p.Glu2138Lys). This variant is not present in population databases (gnomAD no frequency). This variant has not been reported in the literature in individuals affected with SYNE2-related conditions. ClinVar contains an entry for this variant (Variation ID: 1483309). Algorithms developed to predict the effect of missense changes on protein structure and function are either unavailable or do not agree on the potential impact of this missense change (SIFT: "Tolerated"; PolyPhen-2: "Probably Damaging"; Align-GVGD: "Class C0"). In summary, the available evidence is currently insufficient to determine the role of this variant in disease. Therefore, it has been classified as a Variant of Uncertain Significance.

NM_182914.3(SYNE2):c.6412G>A (p.Glu2138Lys)

Gene: SYNE2 (spectrin repeat containing nuclear envelope protein 2; plus strand). Cytogenetic location: 14q23.2.
Variant type: single nucleotide variant.
Coding change: c.6412G>A on transcript NM_182914.3 (MANE Select); coding-DNA position 6412, G replaced by A.
Protein change: p.Glu2138Lys; replaces glutamic acid 2138 with lysine.
Molecular consequence: missense variant.
Genome position (GRCh38, 1-based): chr14:64,027,491, G>A. VCF-style: chr14-64027491-G-A. GRCh37 (hg19) VCF-style: chr14-64494209-G-A.
Other names: c.6412G>A, p.Glu2138Lys (NM_015180.6); short protein forms E2138K.
Identifiers: ClinVar variation 1483309 (VCV001483309.8), dbSNP rs2153540879, ClinGen allele CA389948375.